The following is an entry in ClinVar:

ClinVar aggregate classification (germline): Uncertain significance. Review status: criteria provided, multiple submitters, no conflicts (2 of 4 stars). 2 submissions from 2 submitters: Uncertain significance (2). Last evaluated 2024-11-21.

Allele frequency attached by ClinVar (database versions not stated): gnomAD exomes 0.00003 and 0.00005; ExAC 0.00005.

Submissions (2):

Ambry Genetics
Classification: Uncertain significance. Last evaluated: 2024-11-21. Review status: criteria provided, single submitter. Criteria: Ambry Variant Classification Scheme 2023. Collection method: clinical testing. Allele origin: germline.
Comment: The p.T354P variant (also known as c.1060A>C), located in coding exon 8 of the RECQL gene, results from an A to C substitution at nucleotide position 1060. The threonine at codon 354 is replaced by proline, an amino acid with highly similar properties. This amino acid position is well conserved in available vertebrate species. In addition, the in silico prediction for this alteration is inconclusive. Since supporting evidence is limited at this time, the clinical significance of this alteration remains unclear.

Labcorp Genetics (formerly Invitae), Labcorp
Classification: Uncertain significance. Last evaluated: 2022-10-04. Review status: criteria provided, single submitter. Criteria: Invitae Variant Classification Sherloc (09022015). Collection method: clinical testing. Allele origin: germline.
Comment: This variant has not been reported in the literature in individuals affected with RECQL-related conditions. In summary, the available evidence is currently insufficient to determine the role of this variant in disease. Therefore, it has been classified as a Variant of Uncertain Significance. Advanced modeling of protein sequence and biophysical properties (such as structural, functional, and spatial information, amino acid conservation, physicochemical variation, residue mobility, and thermodynamic stability) has been performed at Invitae for this missense variant, however the output from this modeling did not meet the statistical confidence thresholds required to predict the impact of this variant on RECQL protein function. ClinVar contains an entry for this variant (Variation ID: 1447183). This variant is present in population databases (rs778812336, gnomAD 0.03%). This sequence change replaces threonine, which is neutral and polar, with proline, which is neutral and non-polar, at codon 354 of the RECQL protein (p.Thr354Pro).

NM_002907.4(RECQL):c.1060A>C (p.Thr354Pro)

Gene: RECQL (RecQ like helicase; minus strand). Cytogenetic location: 12p12.1.
Variant type: single nucleotide variant.
Coding change: c.1060A>C on transcript NM_002907.4 (MANE Select); coding-DNA position 1060, A replaced by C.
Protein change: p.Thr354Pro; replaces threonine 354 with proline.
Molecular consequence: missense variant.
Genome position (GRCh38, 1-based): chr12:21,475,714, T>G on the plus strand (A>C on the coding strand, the complement: RECQL is on the minus strand). VCF-style: chr12-21475714-T-G. GRCh37 (hg19) VCF-style: chr12-21628648-T-G.
Other names: c.1060A>C, p.Thr354Pro (NM_032941.3); short protein forms T354P.
Identifiers: ClinVar variation 1447183 (VCV001447183.9), dbSNP rs778812336, ClinGen allele CA6478874.